The following is an entry in ClinVar:

NM_183357.3(ADCY5):c.2861T>C (p.Leu954Pro)

Gene: ADCY5 (adenylate cyclase 5; minus strand). Cytogenetic location: 3q21.1.
Variant type: single nucleotide variant.
Coding change: c.2861T>C on transcript NM_183357.3 (MANE Select); coding-DNA position 2861, T replaced by C.
Protein change: p.Leu954Pro; replaces leucine 954 with proline.
Molecular consequence: missense variant.
Genome position (GRCh38, 1-based): chr3:123,300,159, A>G on the plus strand (T>C on the coding strand, the complement: ADCY5 is on the minus strand). VCF-style: chr3-123300159-A-G. GRCh37 (hg19) VCF-style: chr3-123019006-A-G.
Other names: c.1811T>C, p.Leu604Pro (NM_001199642.1); c.2861T>C, p.Leu954Pro (NM_001378259.1); short protein forms L604P, L954P.
Identifiers: ClinVar variation 3234706 (VCV003234706.20), dbSNP rs1939758654, ClinGen allele CA354224640.
Genomic context (GRCh38, chr3:123,300,159, plus strand): 5'-CGTGAGGGAGGTGCCCCATACATGGCGTTGGCGGTGACCAGCAGGTCGGCGTTGTCGAAG[A>G]GCGTGACACCTGGCACCTCCACGATGAGCACGTAGATGAGCTCGATGGCCAGCATGAGCA-3'
Protein context (NP_899200.1, residues 944-964): VLIVEVPGVT[Leu954Pro]FDNADLLVTA

ClinVar aggregate classification (germline): Uncertain significance (1 of 4 stars; one submission).

Allele frequency attached by ClinVar (database versions not stated): gnomAD exomes below 0.00001; TOPMed 0.00001.
gnomAD v4.1: 1 of 1,613,848 alleles (0.000062%); highest among the groups gnomAD compares: Non-Finnish European, 0.000085%; no homozygotes.

Submission:

CeGaT Center for Human Genetics Tuebingen
Classification: Uncertain significance. Last evaluated: 2024-04-01. Review status: criteria provided, single submitter. Criteria: CeGaT Center For Human Genetics Tuebingen Variant Classification Criteria Version 2. Collection method: clinical testing. Allele origin: germline. Affected: yes. Observed: 1 variant allele.
Comment: ADCY5: PM2, PM6:Supporting